The following is an entry in ClinVar:

NM_024675.4(PALB2):c.844A>G (p.Arg282Gly)

Gene: PALB2 (partner and localizer of BRCA2; minus strand). Cytogenetic location: 16p12.2.
Variant type: single nucleotide variant.
Coding change: c.844A>G on transcript NM_024675.4 (MANE Select); coding-DNA position 844, A replaced by G.
Protein change: p.Arg282Gly; replaces arginine 282 with glycine.
Molecular consequence: missense variant.
Genome position (GRCh38, 1-based): chr16:23,635,702, T>C on the plus strand (A>G on the coding strand, the complement: PALB2 is on the minus strand). VCF-style: chr16-23635702-T-C. GRCh37 (hg19) VCF-style: chr16-23647023-T-C.
Other names: short protein forms R282G.
Identifiers: ClinVar variation 231184 (VCV000231184.30), dbSNP rs45447991, ClinGen allele CA7963752.

ClinVar aggregate classification (germline): Conflicting classifications of pathogenicity. Review status: criteria provided, conflicting classifications (1 of 4 stars). 10 submissions from 10 submitters: Uncertain significance (8); Likely benign (1). 1 of the submissions does not count toward it. Last evaluated 2026-07-16.

Conditions:
PALB2-related disorder. Also called: PALB2-related disorders; PALB2-related condition.
Breast and/or ovarian cancer. Identifiers: MedGen CN221562.
Hereditary cancer-predisposing syndrome. Also called: Neoplastic Syndromes, Hereditary; Tumor predisposition; Hereditary Cancer Syndrome; Hereditary neoplastic syndrome. Identifiers: Orphanet 140162, MedGen C0027672, MeSH D009386, MONDO:0015356.
Familial cancer of breast. Also called: hereditary breast carcinoma; BREAST CANCER, FAMILIAL; Hereditary breast cancer. Identifiers: Orphanet 227535, MedGen C0346153, MONDO:0016419, OMIM 114480. Disease mechanism: loss of function.

Allele frequency attached by ClinVar (database versions not stated): ExAC 0.00001; gnomAD 0.00001; gnomAD exomes 0.00001 and 0.00006; TOPMed 0.00003.
gnomAD v4.1: 88 of 1,614,066 alleles (0.0055%); highest among the groups gnomAD compares: Non-Finnish European, 0.0075%; no homozygotes.

Submissions (10):

PreventionGenetics, part of Exact Sciences
Classification: Uncertain significance for PALB2-related condition. Last evaluated: 2026-07-16. Review status: criteria provided, single submitter. Criteria: ACMG Guidelines, 2015. Collection method: clinical testing. Allele origin: germline.
Comment: The PALB2 c.844A>G variant is predicted to result in the amino acid substitution p.Arg282Gly. This variant has been reported in an individual with ovarian cancer (Ramus et al. 2015. PubMed ID: 26315354, Table S4) and in breast cancer cases and controls (Supp. Data 1, Momozawa et al. 2018. PubMed ID: 30287823; Breast Cancer Association Consortium et al. 2021. PubMed ID: 33471991). This variant is reported in 0.0018% of alleles in individuals of European (Non-Finnish) descent in gnomAD and is interpreted as uncertain and likely benign in ClinVar (Variation ID: 231184). At this time, the clinical significance of this variant is uncertain due to the absence of conclusive functional and genetic evidence.

Labcorp Genetics (formerly Invitae), Labcorp
Classification: Uncertain significance for Familial cancer of breast. Last evaluated: 2026-02-02. Review status: criteria provided, single submitter. Criteria: Invitae Variant Classification Sherloc (09022015). Collection method: clinical testing. Allele origin: germline.
Comment: This sequence change replaces arginine, which is basic and polar, with glycine, which is neutral and non-polar, at codon 282 of the PALB2 protein (p.Arg282Gly). This variant is present in population databases (rs45447991, gnomAD 0.003%). This missense change has been observed in individual(s) with ovarian cancer (PMID: 26315354). ClinVar contains an entry for this variant (Variation ID: 231184). An algorithm developed to predict the effect of missense changes on protein structure and function (PolyPhen-2) suggests that this variant is likely to be tolerated. In summary, the available evidence is currently insufficient to determine the role of this variant in disease. Therefore, it has been classified as a Variant of Uncertain Significance.

Ambry Genetics
Classification: Likely benign for Hereditary cancer-predisposing syndrome. Last evaluated: 2025-03-18. Review status: criteria provided, single submitter. Criteria: Ambry Variant Classification Scheme 2023. Collection method: clinical testing. Allele origin: germline.

Baylor Genetics
Classification: Uncertain significance for Familial cancer of breast. Last evaluated: 2023-12-27. Review status: criteria provided, single submitter. Criteria: ACMG Guidelines, 2015. Collection method: clinical testing. Allele origin: unknown.

GeneDx
Classification: Uncertain significance. Last evaluated: 2023-09-23. Review status: criteria provided, single submitter. Criteria: GeneDx Variant Classification Process June 2021. Collection method: clinical testing. Allele origin: germline. Affected: yes.
Comment: Not observed at significant frequency in large population cohorts (gnomAD); In silico analysis supports that this missense variant does not alter protein structure/function; Observed in individuals with breast or ovarian cancer (Ramus et al., 2015; Decker et al., 2017; Dorling et al., 2021; Rahman et al., 2007); This variant is associated with the following publications: (PMID: 28779002, 26315354, 30287823, 19369211, 33471991, 36243179, 17200668)

CHEO Genetics Diagnostic Laboratory, Children's Hospital of Eastern Ontario
Classification: Uncertain significance for Breast and/or ovarian cancer. Last evaluated: 2022-11-28. Review status: criteria provided, single submitter. Criteria: ACMG Guidelines, 2015. Collection method: clinical testing. Allele origin: germline.

Sema4
Classification: Uncertain significance for Hereditary cancer-predisposing syndrome. Last evaluated: 2021-08-17. Review status: criteria provided, single submitter. Criteria: Sema4 Curation Guidelines. Collection method: curation. Allele origin: germline.
Comment: The PALB2 c.844A>G (p.R282G) variant has been reported in at least two individuals with breast cancer, at least one individual with ovarian cancer as well as unaffected controls (PMID: 33471991, 26315354, 28779002). It was observed in 2/113706 chromosomes of the Non-Finnish European subpopulation in the large and broad cohorts of the Genome Aggregation Database (PMID: 32461654). The variant has been reported in ClinVar (Variation ID 231184). In silico tools suggest the impact of the variant on protein function is benign, though these predictions have not been confirmed by functional studies. The evidence is insufficient to meet ACMG/AMP criteria for classifying the variant as benign or pathogenic. Thus, the clinical significance of this variant is currently uncertain.

Color Diagnostics, LLC DBA Color Health
Classification: Uncertain significance for Hereditary cancer-predisposing syndrome. Last evaluated: 2020-01-22. Review status: criteria provided, single submitter. Criteria: ACMG Guidelines, 2015. Collection method: clinical testing. Allele origin: germline.
Comment: This missense variant replaces arginine with glycine at codon 282 of the PALB2 protein. Computational prediction suggests that this variant may not impact protein structure and function (internally defined REVEL score threshold <= 0.5, PMID: 27666373). Splice site prediction tools suggest that this variant may not impact RNA splicing. To our knowledge, functional studies have not been performed for this variant. This variant has been reported in an individual affected with ovarian cancer in the literature. This variant has been identified in 2/251410 chromosomes in the general population by the Genome Aggregation Database (gnomAD). The available evidence is insufficient to determine the role of this variant in disease conclusively. Therefore, this variant is classified as a Variant of Uncertain Significance.

Quest Diagnostics Nichols Institute San Juan Capistrano
Classification: Uncertain significance. Last evaluated: 2018-04-12. Review status: criteria provided, single submitter. Criteria: Quest Diagnostics criteria. Collection method: clinical testing. Allele origin: germline.

Leiden Open Variation Database
Classification: Uncertain significance. Last evaluated: 2018-10-10. Review status: no assertion criteria provided. Collection method: curation. Allele origin: germline. Affected: yes. Not counted in ClinVar's aggregate classification.
Comment: Curators: Marc Tischkowitz, Arleen D. Auerbach. Submitter to LOVD: Yukihide Momozawa.

Literature cited by the submitters: PubMed 26315354 (cited by 3 submitters); PubMed 17200668 (cited by Ambry Genetics); PubMed 28779002 (cited by Ambry Genetics and Sema4); PubMed 30287823 (cited by Ambry Genetics and Leiden Open Variation Database); PubMed 33471991 (cited by Sema4).